The following is an entry in ClinVar:

NM_000057.4(BLM):c.574A>T (p.Asn192Tyr)

Gene: BLM (BLM RecQ like helicase; plus strand). Cytogenetic location: 15q26.1.
Variant type: single nucleotide variant.
Coding change: c.574A>T on transcript NM_000057.4 (MANE Select); coding-DNA position 574, A replaced by T.
Protein change: p.Asn192Tyr; replaces asparagine 192 with tyrosine.
Molecular consequence: missense variant. On other transcripts: 5 prime UTR variant (1).
Genome position (GRCh38, 1-based): chr15:90,749,842, A>T. VCF-style: chr15-90749842-A-T. GRCh37 (hg19) VCF-style: chr15-91293072-A-T.
Other names: c.574A>T, p.Asn192Tyr (NM_001287246.2, NM_001287247.2); c.-718A>T (NM_001287248.2); c.574A>T (NM_000057.2); short protein forms N192Y.
Identifiers: ClinVar variation 1053182 (VCV001053182.10), dbSNP rs2151147636, ClinGen allele CA393841082.
Genomic context (GRCh38, chr15:90,749,842, plus strand): 5'-CCACCCCAAAGTCACTTTGTAAGAGTAAGCACTGCTCAGAAATCAAAAAAGGGTAAGAGA[A>T]ACTTTTTTAAAGCACAGCTTTATACAACAAACACAGTAAAGACTGATTTGCCTCCACCCT-3'
Protein context (NP_000048.1, residues 182-202): TAQKSKKGKR[Asn192Tyr]FFKAQLYTTN

ClinVar aggregate classification (germline): Uncertain significance. Review status: criteria provided, multiple submitters, no conflicts (2 of 4 stars). 2 submissions from 2 submitters: Uncertain significance (2). Last evaluated 2025-09-21.

Conditions:
Hereditary cancer-predisposing syndrome. Also called: Tumor predisposition; Hereditary neoplastic syndrome; Hereditary Cancer Syndrome; Neoplastic Syndromes, Hereditary. Identifiers: Orphanet 140162, MedGen C0027672, MeSH D009386, MONDO:0015356.
Bloom syndrome (BLM). Also called: Bloom-Torre-Machacek syndrome. Identifiers: Orphanet 125, MedGen C0005859, MONDO:0008876, OMIM 210900.

Submissions (2):

Labcorp Genetics (formerly Invitae), Labcorp
Classification: Uncertain significance for Bloom syndrome. Last evaluated: 2025-09-21. Review status: criteria provided, single submitter. Criteria: Invitae Variant Classification Sherloc (09022015). Collection method: clinical testing. Allele origin: germline.
Comment: This sequence change replaces asparagine, which is neutral and polar, with tyrosine, which is neutral and polar, at codon 192 of the BLM protein (p.Asn192Tyr). This variant is not present in population databases (gnomAD no frequency). This variant has not been reported in the literature in individuals affected with BLM-related conditions. ClinVar contains an entry for this variant (Variation ID: 1053182). An algorithm developed to predict the effect of missense changes on protein structure and function (PolyPhen-2) suggests that this variant is likely to be disruptive. In summary, the available evidence is currently insufficient to determine the role of this variant in disease. Therefore, it has been classified as a Variant of Uncertain Significance.

Ambry Genetics
Classification: Uncertain significance for Hereditary cancer-predisposing syndrome. Last evaluated: 2025-03-31. Review status: criteria provided, single submitter. Criteria: Ambry Variant Classification Scheme 2023. Collection method: clinical testing. Allele origin: germline.